The following is an entry in ClinVar:

NM_004415.4(DSP):c.5001G>C (p.Gln1667His)

Gene: DSP (desmoplakin; plus strand). Cytogenetic location: 6p24.3.
Variant type: single nucleotide variant.
Coding change: c.5001G>C on transcript NM_004415.4 (MANE Select); coding-DNA position 5001, G replaced by C.
Protein change: p.Gln1667His; replaces glutamine 1667 with histidine.
Molecular consequence: missense variant. On other transcripts: intron variant (2).
Genome position (GRCh38, 1-based): chr6:7,581,191, G>C. VCF-style: chr6-7581191-G-C. GRCh37 (hg19) VCF-style: chr6-7581424-G-C.
Other names: c.4050+951G>C (NM_001319034.2); c.3582+1419G>C (NM_001008844.3); short protein forms Q1667H.
Identifiers: ClinVar variation 4686102 (VCV004686102.2).

ClinVar aggregate classification (germline): Uncertain significance. Review status: criteria provided, multiple submitters, no conflicts (2 of 4 stars). 2 submissions from 2 submitters: Uncertain significance (2). Last evaluated 2025-07-18.

Conditions:
Arrhythmogenic cardiomyopathy with wooly hair and keratoderma. Also called: Arrhythmogenic cardiomyopathy with woolly hair and keratoderma; Dilated cardiomyopathy with woolly hair and keratoderma; PALMOPLANTAR KERATODERMA WITH LEFT VENTRICULAR CARDIOMYOPATHY AND WOOLLY HAIR; Carvajal syndrome. Identifiers: Orphanet 65282, MedGen C1854063, MONDO:0011581, OMIM 605676.
Arrhythmogenic right ventricular dysplasia 8 (ARVD8). Also called: Arrhythmogenic Right Ventricular Dysplasia/Cardiomyopathy 8; ARRHYTHMOGENIC RIGHT VENTRICULAR CARDIOMYOPATHY 8; ARRHYTHMOGENIC RIGHT VENTRICULAR DYSPLASIA, FAMILIAL, 8. Identifiers: MedGen C1843896, MONDO:0011831, OMIM 607450.

Submissions (2):

GeneDx
Classification: Uncertain significance. Last evaluated: 2025-07-18. Review status: criteria provided, single submitter. Criteria: GeneDx Variant Classification Process June 2021. Collection method: clinical testing. Allele origin: germline. Affected: yes.
Comment: Not observed at significant frequency in large population cohorts (gnomAD); In silico analysis supports that this missense variant has a deleterious effect on protein structure/function; Has not been previously published as pathogenic or benign to our knowledge

Labcorp Genetics (formerly Invitae), Labcorp
Classification: Uncertain significance for Arrhythmogenic cardiomyopathy with wooly hair and keratoderma; Arrhythmogenic right ventricular dysplasia 8. Last evaluated: 2025-04-17. Review status: criteria provided, single submitter. Criteria: Invitae Variant Classification Sherloc (09022015). Collection method: clinical testing. Allele origin: germline.
Comment: This sequence change replaces glutamine, which is neutral and polar, with histidine, which is basic and polar, at codon 1667 of the DSP protein (p.Gln1667His). This variant is not present in population databases (gnomAD no frequency). This variant has not been reported in the literature in individuals affected with DSP-related conditions. An algorithm developed to predict the effect of missense changes on protein structure and function (PolyPhen-2) suggests that this variant is likely to be disruptive. In summary, the available evidence is currently insufficient to determine the role of this variant in disease. Therefore, it has been classified as a Variant of Uncertain Significance.